The following is an entry in ClinVar:

NM_001258392.3(CLPB):c.2007C>A (p.His669Gln)

Gene: CLPB (ClpB family mitochondrial disaggregase; minus strand). Cytogenetic location: 11q13.4.
Variant type: single nucleotide variant.
Coding change: c.2007C>A on transcript NM_001258392.3 (MANE Select); coding-DNA position 2007, C replaced by A.
Protein change: p.His669Gln; replaces histidine 669 with glutamine.
Molecular consequence: missense variant.
Genome position (GRCh38, 1-based): chr11:72,293,394, G>T on the plus strand (C>A on the coding strand, the complement: CLPB is on the minus strand). VCF-style: chr11-72293394-G-T. GRCh37 (hg19) VCF-style: chr11-72004438-G-T.
Other names: c.1920C>A, p.His640Gln (NM_001258393.3); c.1962C>A, p.His654Gln (NM_001258394.3); c.2097C>A, p.His699Gln (NM_030813.6); short protein forms H640Q, H699Q, H654Q, H669Q.
Identifiers: ClinVar variation 3722115 (VCV003722115.2).
Genomic context (GRCh38, chr11:72,293,394, plus strand): 5'-TGGTGAGGGCACATAGGAGCAGGCAGGTGGCTGCTAGATGGTGTTGCACACCTTCTCAGG[G>T]TGCAGTGGTGCCCGGATGTCCAGTCTGCGAGTCTTGCTGTCCTTGTCGATGATCTCCAGA-3'
Protein context (NP_001245321.1, residues 659-677): TRRLDIRAPL[His669Gln]PEKVCNTI

ClinVar aggregate classification (germline): Uncertain significance (1 of 4 stars; one submission).

Conditions:
3-methylglutaconic aciduria, type VIIB (MGCA7B). Also called: 3-methylglutaconic aciduria, type VII, with cataracts, neurologic involvement and neutropenia; CLPB Deficiency; 3-methylglutaconic aciduria with cataracts, neurologic involvement and neutropenia. Identifiers: Orphanet 445038, MedGen C5676893, MONDO:0014561, OMIM 616271.

gnomAD v4.1: 17 of 1,614,158 alleles (0.0011%); highest among the groups gnomAD compares: Non-Finnish European, 0.0014%; no homozygotes.

Submission:

Labcorp Genetics (formerly Invitae), Labcorp
Classification: Uncertain significance for 3-methylglutaconic aciduria, type VIIB. Last evaluated: 2024-10-03. Review status: criteria provided, single submitter. Criteria: Invitae Variant Classification Sherloc (09022015). Collection method: clinical testing. Allele origin: germline.
Comment: This sequence change replaces histidine, which is basic and polar, with glutamine, which is neutral and polar, at codon 699 of the CLPB protein (p.His699Gln). This variant is not present in population databases (gnomAD no frequency). This variant has not been reported in the literature in individuals affected with CLPB-related conditions. An algorithm developed to predict the effect of missense changes on protein structure and function (PolyPhen-2) suggests that this variant is likely to be tolerated. In summary, the available evidence is currently insufficient to determine the role of this variant in disease. Therefore, it has been classified as a Variant of Uncertain Significance.